The following is an entry in ClinVar:

ClinVar aggregate classification (germline): Likely pathogenic (1 of 4 stars; one submission).

Conditions:
Intellectual developmental disorder, autosomal dominant 50, with behavioral abnormalities. Also called: MENTAL RETARDATION, AUTOSOMAL DOMINANT 50; Intellectual disability, autosomal dominant 50. Identifiers: MedGen C4540470, MONDO:0030916, OMIM 617787.

Submission:

Variantyx, Inc.
Classification: Likely pathogenic for Intellectual developmental disorder, autosomal dominant 50, with behavioral abnormalities. Last evaluated: 2025-12-11. Review status: criteria provided, single submitter. Criteria: Variantyx Assertion Criteria 2022. Collection method: clinical testing. Allele origin: de novo. Inheritance: Autosomal dominant inheritance. Affected: yes.
Comment: This is a frameshift variant in the NAA15 gene (OMIM: 608000). Pathogenic variants in this gene have been associated with autosomal dominant intellectual developmental disorder 50 with behavioral abnormalities. This variant introduces a premature termination codon in exon 12 out of 20 and is expected to result in loss of function, which is a known disease mechanism for NAA15 in this disorder (PMID: 28191889, 29656860, 28263302) (PVS1). This variant is absent from control populations (PM2) and has not been reported in individuals with NAA15-related disorders in the databases available for review. Based on the current evidence, this variant is classified as likely pathogenic for autosomal dominant intellectual developmental disorder 50 with behavioral abnormalities.

Literature cited by the submitters: PubMed 28191889; PubMed 29656860; PubMed 28263302.

NM_057175.5(NAA15):c.1350dup (p.Tyr451fs)

Gene: NAA15 (N-alpha-acetyltransferase 15, NatA auxiliary subunit; plus strand). Cytogenetic location: 4q31.1.
Variant type: Duplication.
Coding change: c.1350dup on transcript NM_057175.5 (MANE Select); coding-DNA position 1350, one base duplicated (A; older notation c.1350dupA).
Protein change: p.Tyr451fs; shifts the reading frame from tyrosine 451.
Molecular consequence: frameshift variant.
Genome position (GRCh38, 1-based): chr4:139,359,835, A duplicated; the last of 4 consecutive A bases (chr4:139,359,832-139,359,835); duplicating any one gives the same sequence. VCF-style (leftmost placement, unchanged base first): chr4-139359831-C-CA. GRCh37 (hg19) VCF-style: chr4-140280985-C-CA.
Other names: c.1350dup, p.Tyr451fs (NM_001410842.1); short protein forms Y451fs.
Identifiers: ClinVar variation 4813757 (VCV004813757.1).